The following is an entry in ClinVar:

ClinVar aggregate classification (germline): Uncertain significance (1 of 4 stars; one submission).

Conditions:
Marfan syndrome (MFS). Also called: MARFAN SYNDROME, TYPE I; Marfan syndrome type 1; Marfan's syndrome; Marfan syndrome, classic; FBN1-Related Marfan Syndrome. Identifiers: Orphanet 284963, Orphanet 558, MedGen C0024796, MONDO:0007947, OMIM 154700.
Familial thoracic aortic aneurysm and aortic dissection (TAAD). Also called: Thoracic aortic aneurysms and dissections. Identifiers: Orphanet 91387, MedGen C4707243, MONDO:0019625.

Submission:

Labcorp Genetics (formerly Invitae), Labcorp
Classification: Uncertain significance for Marfan syndrome; Familial thoracic aortic aneurysm and aortic dissection. Last evaluated: 2024-07-30. Review status: criteria provided, single submitter. Criteria: Invitae Variant Classification Sherloc (09022015). Collection method: clinical testing. Allele origin: germline.
Comment: This sequence change replaces glycine, which is neutral and non-polar, with arginine, which is basic and polar, at codon 1591 of the FBN1 protein (p.Gly1591Arg). This variant is not present in population databases (gnomAD no frequency). This variant has not been reported in the literature in individuals affected with FBN1-related conditions. Advanced modeling of protein sequence and biophysical properties (such as structural, functional, and spatial information, amino acid conservation, physicochemical variation, residue mobility, and thermodynamic stability) performed at Invitae indicates that this missense variant is expected to disrupt FBN1 protein function with a positive predictive value of 95%. In summary, the available evidence is currently insufficient to determine the role of this variant in disease. Therefore, it has been classified as a Variant of Uncertain Significance.

NM_000138.5(FBN1):c.4771G>C (p.Gly1591Arg)

Gene: FBN1 (fibrillin 1; minus strand). Cytogenetic location: 15q21.1.
Variant type: single nucleotide variant.
Coding change: c.4771G>C on transcript NM_000138.5 (MANE Select); coding-DNA position 4771, G replaced by C.
Protein change: p.Gly1591Arg; replaces glycine 1591 with arginine.
Molecular consequence: missense variant.
Genome position (GRCh38, 1-based): chr15:48,465,835, C>G on the plus strand (G>C on the coding strand, the complement: FBN1 is on the minus strand). VCF-style: chr15-48465835-C-G. GRCh37 (hg19) VCF-style: chr15-48758032-C-G.
Other names: c.4771G>C, p.Gly1591Arg (NM_001406716.1); short protein forms G1591R.
Identifiers: ClinVar variation 3754066 (VCV003754066.2).